The following is an entry in ClinVar:

ClinVar aggregate classification (germline): Uncertain significance (1 of 4 stars; one submission).

Submission:

Labcorp Genetics (formerly Invitae), Labcorp
Classification: Uncertain significance. Last evaluated: 2022-09-23. Review status: criteria provided, single submitter. Criteria: Invitae Variant Classification Sherloc (09022015). Collection method: clinical testing. Allele origin: germline.
Comment: In summary, the available evidence is currently insufficient to determine the role of this variant in disease. Therefore, it has been classified as a Variant of Uncertain Significance. Algorithms developed to predict the effect of sequence changes on RNA splicing suggest that this variant may disrupt the consensus splice site. Advanced modeling of protein sequence and biophysical properties (such as structural, functional, and spatial information, amino acid conservation, physicochemical variation, residue mobility, and thermodynamic stability) performed at Invitae indicates that this missense variant is not expected to disrupt CSF2RB protein function. This variant has not been reported in the literature in individuals affected with CSF2RB-related conditions. This variant is not present in population databases (gnomAD no frequency). This sequence change replaces alanine, which is neutral and non-polar, with valine, which is neutral and non-polar, at codon 328 of the CSF2RB protein (p.Ala328Val).

NM_000395.3(CSF2RB):c.983C>T (p.Ala328Val)

Gene: CSF2RB (colony stimulating factor 2 receptor subunit beta; plus strand). Cytogenetic location: 22q12.3.
Variant type: single nucleotide variant.
Coding change: c.983C>T on transcript NM_000395.3 (MANE Select); coding-DNA position 983, C replaced by T.
Protein change: p.Ala328Val; replaces alanine 328 with valine.
Molecular consequence: missense variant.
Genome position (GRCh38, 1-based): chr22:36,930,801, C>T. VCF-style: chr22-36930801-C-T. GRCh37 (hg19) VCF-style: chr22-37326843-C-T.
Other names: c.1001C>T, p.Ala334Val (NM_001410827.1); short protein forms A334V, A328V.
Identifiers: ClinVar variation 1948082 (VCV001948082.5), dbSNP rs2517993834, ClinGen allele CA411408389.
Genomic context (GRCh38, chr22:36,930,801, plus strand): 5'-TTCCCGTGCCCGACCCCGCGACCCACGGCCAATACATCGTCTCTGTTCAGCCAAGGAGGG[C>T]AGAGAAACACATAAAGAGCTCAGTGAACAGTGAGTTTGCTCCTAGCCCGCTGTGGGGATG-3'
Protein context (NP_000386.1, residues 318-338): QYIVSVQPRR[Ala328Val]EKHIKSSVNI